The following is an entry in ClinVar:

NM_001267550.2(TTN):c.15464dup (p.Cys5156fs)

Gene: TTN (titin; minus strand). Cytogenetic location: 2q31.2.
Variant type: Duplication.
Coding change: c.15464dup on transcript NM_001267550.2 (MANE Select); coding-DNA position 15464, one base duplicated (A; older notation c.15464dupA).
Protein change: p.Cys5156fs; shifts the reading frame from cysteine 5156.
Molecular consequence: frameshift variant. On other transcripts: intron variant (3).
Genome position (GRCh38, 1-based): chr2:178,734,360, T duplicated on the plus strand (A on the coding strand, the reverse complement: TTN is on the minus strand); the first of 2 consecutive T bases (chr2:178,734,360-178,734,361); duplicating either gives the same sequence. VCF-style (leftmost placement, unchanged base first): chr2-178734359-C-CT. GRCh37 (hg19) VCF-style: chr2-179599086-C-CT.
Other names: c.14513dup, p.Cys4839fs (NM_001256850.1); c.11732dup, p.Cys3912fs (NM_133378.4); c.13282+3722dup (NM_003319.4); c.13858+3722dup (NM_133437.4); c.13657+3722dup (NM_133432.3); short protein forms C3912fs, C4839fs, C5156fs.
Identifiers: ClinVar variation 3257320 (VCV003257320.17).
Genomic context (GRCh38, chr2:178,734,359, plus strand): 5'-AAAGAGACATTAGTTTTTCAAGCACTAACCTTTGAGTAAGTGGGTTGCCATGCAGCCACA[C>CT]TTGCCGACTTCATTAGCAACAACACATTCATATTCACCAACATCTGCACTATTAAACGAA-3'

ClinVar aggregate classification (germline): Likely pathogenic (1 of 4 stars; one submission).

Submission:

CeGaT Center for Human Genetics Tuebingen
Classification: Likely pathogenic. Last evaluated: 2024-07-01. Review status: criteria provided, single submitter. Criteria: CeGaT Center For Human Genetics Tuebingen Variant Classification Criteria Version 2. Collection method: clinical testing. Allele origin: germline. Affected: yes. Observed: 1 variant allele.
Comment: TTN: PVS1:Strong, PM2